The following is an entry in ClinVar:

NM_000075.4(CDK4):c.348G>A (p.Thr116=)

Gene: CDK4 (cyclin dependent kinase 4; minus strand). Cytogenetic location: 12q14.1.
Variant type: single nucleotide variant.
Coding change: c.348G>A on transcript NM_000075.4 (MANE Select); coding-DNA position 348, G replaced by A.
Protein change: p.Thr116=; no amino-acid change (threonine 116 retained).
Molecular consequence: synonymous variant.
Genome position (GRCh38, 1-based): chr12:57,751,213, C>T on the plus strand (G>A on the coding strand, the complement: CDK4 is on the minus strand). VCF-style: chr12-57751213-C-T. GRCh37 (hg19) VCF-style: chr12-58144996-C-T.
Identifiers: ClinVar variation 219858 (VCV000219858.18), dbSNP rs761353033, ClinGen allele CA350782.

ClinVar aggregate classification (germline): Benign/Likely benign. Review status: criteria provided, multiple submitters, no conflicts (2 of 4 stars). 3 submissions from 3 submitters: Benign (1); Likely benign (2). Last evaluated 2026-01-09.

Conditions:
Familial melanoma. Also called: Hereditary melanoma; Hereditary cutaneous melanoma. Identifiers: Orphanet 618, MedGen C1512419, MONDO:0018961.
Hereditary cancer-predisposing syndrome. Also called: Hereditary neoplastic syndrome; Tumor predisposition; Hereditary Cancer Syndrome; Neoplastic Syndromes, Hereditary. Identifiers: Orphanet 140162, MedGen C0027672, MeSH D009386, MONDO:0015356.
Melanoma, cutaneous malignant, susceptibility to, 3. Also called: Cutaneous malignant melanoma 3. Identifiers: Orphanet 618, MedGen C1836892, MONDO:0012183, OMIM 609048.

Allele frequency attached by ClinVar (database versions not stated): ExAC 0.00001; gnomAD 0.00001; gnomAD exomes 0.00001; TOPMed 0.00003.
gnomAD v4.1: 5 of 1,614,214 alleles (0.00031%); highest among the groups gnomAD compares: South Asian, 0.0011%; no homozygotes.

Submissions (3):

Labcorp Genetics (formerly Invitae), Labcorp
Classification: Likely benign for Familial melanoma. Last evaluated: 2026-01-09. Review status: criteria provided, single submitter. Criteria: Invitae Variant Classification Sherloc (09022015). Collection method: clinical testing. Allele origin: germline.

Myriad Genetics, Inc.
Classification: Benign for Melanoma, cutaneous malignant, susceptibility to, 3. Last evaluated: 2024-09-25. Review status: criteria provided, single submitter. Criteria: Myriad Autosomal Dominant, Autosomal Recessive and X-Linked Classification Criteria (2023). Collection method: clinical testing. Allele origin: unknown.
Comment: This variant is considered benign. This variant is a silent/synonymous amino acid change and it is not expected to impact splicing.

Ambry Genetics
Classification: Likely benign for Hereditary cancer-predisposing syndrome. Last evaluated: 2017-01-13. Review status: criteria provided, single submitter. Criteria: Ambry Variant Classification Scheme 2023. Collection method: clinical testing. Allele origin: germline.